The following is an entry in ClinVar:

NM_001242896.3(DEPDC5):c.1987T>C (p.Tyr663His)

Gene: DEPDC5 (DEP domain containing 5, GATOR1 subcomplex subunit; plus strand). Cytogenetic location: 22q12.3.
Variant type: single nucleotide variant.
Coding change: c.1987T>C on transcript NM_001242896.3 (MANE Select); coding-DNA position 1987, T replaced by C.
Protein change: p.Tyr663His; replaces tyrosine 663 with histidine.
Molecular consequence: missense variant. On other transcripts: non-coding transcript variant (4), intron variant (3).
Genome position (GRCh38, 1-based): chr22:31,821,618, T>C. VCF-style: chr22-31821618-T-C. GRCh37 (hg19) VCF-style: chr22-32217604-T-C.
Other names: c.1987T>C, p.Tyr663His (NM_001136029.4, NM_001363852.2, NM_001364318.2 and 3 more transcripts); c.1903T>C, p.Tyr635His (NM_001369901.1, NM_001369902.1); c.1870+2393T>C (NM_001363854.2, NM_001242897.2, NM_001364319.2); short protein forms Y635H, Y663H.
Identifiers: ClinVar variation 1717058 (VCV001717058.5), dbSNP rs1325359553, ClinGen allele CA411282124.
Genomic context (GRCh38, chr22:31,821,618, plus strand): 5'-CTACAAGGCAGCGGGCAGAGGGATCCAACTCACTCCTCTGCAGAGCTGCTGGAGTTAGCA[T>C]ATCATGAAGCTGCTGGAAGGTGAGGATGTGCACAGGGCTCTGGAAGGTAACCTGAGAACA-3'
Protein context (NP_001229825.1, residues 653-673): HSSAELLELA[Tyr663His]HEAAGRHSNS

ClinVar aggregate classification (germline): Uncertain significance (1 of 4 stars; one submission).

Conditions:
Familial focal epilepsy with variable foci (FPEVF). Identifiers: Orphanet 98820, MedGen C1858477, MONDO:0020310.

Allele frequency attached by ClinVar (database versions not stated): gnomAD exomes below 0.00001.
gnomAD v4.1: 5 of 1,613,842 alleles (0.00031%); highest among the groups gnomAD compares: Non-Finnish European, 0.00042%; no homozygotes.

Submission:

Labcorp Genetics (formerly Invitae), Labcorp
Classification: Uncertain significance for Familial focal epilepsy with variable foci. Last evaluated: 2022-08-20. Review status: criteria provided, single submitter. Criteria: Invitae Variant Classification Sherloc (09022015). Collection method: clinical testing. Allele origin: germline.
Comment: In summary, the available evidence is currently insufficient to determine the role of this variant in disease. Therefore, it has been classified as a Variant of Uncertain Significance. Algorithms developed to predict the effect of missense changes on protein structure and function are either unavailable or do not agree on the potential impact of this missense change (SIFT: "Deleterious"; PolyPhen-2: "Not Available"; Align-GVGD: "Class C0"). This variant has not been reported in the literature in individuals affected with DEPDC5-related conditions. This variant is present in population databases (no rsID available, gnomAD 0.0009%). This sequence change replaces tyrosine, which is neutral and polar, with histidine, which is basic and polar, at codon 663 of the DEPDC5 protein (p.Tyr663His).